The following is an entry in ClinVar:

NM_003000.3(SDHB):c.716C>T (p.Ser239Phe)

Gene: SDHB (succinate dehydrogenase complex iron sulfur subunit B; minus strand). Cytogenetic location: 1p36.13.
Variant type: single nucleotide variant.
Coding change: c.716C>T on transcript NM_003000.3 (MANE Select); coding-DNA position 716, C replaced by T.
Protein change: p.Ser239Phe; replaces serine 239 with phenylalanine.
Molecular consequence: missense variant.
Genome position (GRCh38, 1-based): chr1:17,022,657, G>A on the plus strand (C>T on the coding strand, the complement: SDHB is on the minus strand). VCF-style: chr1-17022657-G-A. GRCh37 (hg19) VCF-style: chr1-17349152-G-A.
Other names: short protein forms S239F.
Identifiers: ClinVar variation 412475 (VCV000412475.25), dbSNP rs201098090, ClinGen allele CA089716.

ClinVar aggregate classification (germline): Uncertain significance. Review status: criteria provided, multiple submitters, no conflicts (2 of 4 stars). 10 submissions from 9 submitters: Uncertain significance (10). Last evaluated 2026-08-01.

Conditions:
Hereditary cancer-predisposing syndrome. Also called: Hereditary neoplastic syndrome; Neoplastic Syndromes, Hereditary; Hereditary Cancer Syndrome; Tumor predisposition. Identifiers: Orphanet 140162, MedGen C0027672, MeSH D009386, MONDO:0015356.
Carney-Stratakis syndrome. Also called: PARAGANGLIOMA AND GASTROINTESTINAL STROMAL TUMOR. Identifiers: Orphanet 97286, MedGen C1847319, MONDO:0011740, OMIM 606864.
Pheochromocytoma. Also called: MAX-Related Hereditary Paraganglioma-Pheochromocytoma Syndrome. Identifiers: Orphanet 29072, MedGen C0031511, MONDO:0008233, OMIM 171300, HP:0002666.
Gastrointestinal stromal tumor. Also called: Gastrointestinal stroma tumor; Gastrointestinal stromal tumor, somatic. Identifiers: Orphanet 44890, MedGen C0238198, MeSH D046152, MONDO:0011719, OMIM 606764, HP:0100723.
Pheochromocytoma/paraganglioma syndrome 4. Also called: SDHB-Related Hereditary Paraganglioma-Pheochromocytoma Syndrome; CAROTID BODY TUMORS AND MULTIPLE EXTRAADRENAL PHEOCHROMOCYTOMAS; PARAGANGLIOMA, FAMILIAL MALIGNANT; PARAGANGLIOMAS, HEREDITARY EXTRAADRENAL; PHEOCHROMOCYTOMA, FAMILIAL EXTRAADRENAL; SDHB-Related Hereditary Paraganglioma-Pheochromocytoma Syndrome (Paragangliomas 4). Identifiers: Orphanet 29072, MedGen C1861848, MONDO:0007273, OMIM 115310.
Hereditary pheochromocytoma and paraganglioma. Also called: Hereditary pheochromocytoma-paraganglioma; Hereditary Paraganglioma-Pheochromocytoma Syndromes; Hereditary paragangliomas and pheochromocytomas. Identifiers: Orphanet 29072, MedGen C4274332, MONDO:0017366.

gnomAD v4.1: 29 of 1,613,982 alleles (0.0018%); highest among the groups gnomAD compares: South Asian, 0.02%; no homozygotes.

Submissions (10):

CeGaT Center for Human Genetics Tuebingen
Classification: Uncertain significance. Last evaluated: 2026-08-01. Review status: criteria provided, single submitter. Criteria: CeGaT Center For Human Genetics Tuebingen Variant Classification Criteria Version 2. Collection method: clinical testing. Allele origin: germline. Affected: yes. Observed: 1 variant allele.
Comment: SDHB: PM1, PS4:Moderate, PM2:Supporting, BS3:Supporting

Ambry Genetics
Classification: Uncertain significance for Hereditary cancer-predisposing syndrome. Last evaluated: 2026-05-26. Review status: criteria provided, single submitter. Criteria: Ambry Variant Classification Scheme 2023. Collection method: clinical testing. Allele origin: germline.
Comment: The p.S239F variant (also known as c.716C>T), located in coding exon 7 of the SDHB gene, results from a C to T substitution at nucleotide position 716. The serine at codon 239 is replaced by phenylalanine, an amino acid with highly dissimilar properties. This variant was identified in a patient with a personal history of metastatic paraganglioma (Klein RD et al. Diagn Mol Pathol, 2008 Jun;17:94-100). In an assay testing SDHB function, this variant showed a functionally normal result (Lee S et al. J Clin Invest, 2026 Feb;136:). This amino acid position is highly conserved in available vertebrate species. In addition, this alteration is predicted to be deleterious by in silico analysis. Based on the available evidence, the clinical significance of this variant remains unclear.

Labcorp Genetics (formerly Invitae), Labcorp
Classification: Uncertain significance for Gastrointestinal stromal tumor; Pheochromocytoma/paraganglioma syndrome 4; Pheochromocytoma. Last evaluated: 2025-12-22. Review status: criteria provided, single submitter. Criteria: Invitae Variant Classification Sherloc (09022015). Collection method: clinical testing. Allele origin: germline.
Comment: This sequence change replaces serine, which is neutral and polar, with phenylalanine, which is neutral and non-polar, at codon 239 of the SDHB protein (p.Ser239Phe). This variant is present in population databases (rs201098090, gnomAD 0.01%). This missense change has been observed in individual(s) with metastatic paraganglioma (PMID: 18382370). ClinVar contains an entry for this variant (Variation ID: 412475). Invitae Evidence Modeling of protein sequence and biophysical properties (such as structural, functional, and spatial information, amino acid conservation, physicochemical variation, residue mobility, and thermodynamic stability) indicates that this missense variant is expected to disrupt SDHB protein function with a positive predictive value of 80%. In summary, the available evidence is currently insufficient to determine the role of this variant in disease. Therefore, it has been classified as a Variant of Uncertain Significance.

Color Diagnostics, LLC DBA Color Health
Classification: Uncertain significance for Hereditary pheochromocytoma and paraganglioma. Last evaluated: 2025-07-11. Review status: criteria provided, single submitter. Criteria: ACMG Guidelines, 2015. Collection method: clinical testing. Allele origin: germline.
Comment: This missense variant replaces serine with phenylalanine at codon 239 of the SDHB protein. Computational prediction suggests that this variant may have deleterious impact on protein structure and function. To our knowledge, functional studies have not been reported for this variant, however the residue may be structurally important (PMID: 22904323). This variant has been reported in an individual affected with paraganglioma in the literature (PMID: 18382370). This variant has been identified in 6/251464 chromosomes in the general population by the Genome Aggregation Database (gnomAD). The available evidence is insufficient to determine the role of this variant in disease conclusively. Therefore, this variant is classified as a Variant of Uncertain Significance.

All of Us Research Program, National Institutes of Health
Classification: Uncertain significance for Hereditary pheochromocytoma and paraganglioma. Last evaluated: 2024-09-11. Review status: criteria provided, single submitter. Criteria: ACMG Guidelines, 2015. Collection method: clinical testing. Allele origin: germline. Inheritance: Autosomal dominant inheritance. Observed: 7 variant alleles, 7 heterozygotes.
Comment: This missense variant replaces serine with phenylalanine at codon 239 of the SDHB protein. Computational prediction suggests that this variant may have deleterious impact on protein structure and function (internally defined REVEL score threshold >= 0.7, PMID: 27666373). To our knowledge, functional studies have not been reported for this variant, however the residue may be structurally important (PMID: 22904323). This variant has been reported in an individual affected with paraganglioma in the literature (PMID: 18382370). This variant has been identified in 6/251464 chromosomes in the general population by the Genome Aggregation Database (gnomAD). The available evidence is insufficient to determine the role of this variant in disease conclusively. Therefore, this variant is classified as a Variant of Uncertain Significance.

This study involves interpretation of variants in research participants for the purpose of population health screening. Participant phenotype was not available at the time of variant classification. Additional details can be found in publication PMID: 35346344, PMCID: PMC8962531

Baylor Genetics
Classification: Uncertain significance for Gastrointestinal stromal tumor. Last evaluated: 2024-03-03. Review status: criteria provided, single submitter. Criteria: ACMG Guidelines, 2015. Collection method: clinical testing. Allele origin: unknown.

GeneDx
Classification: Uncertain significance. Last evaluated: 2023-07-11. Review status: criteria provided, single submitter. Criteria: GeneDx Variant Classification Process June 2021. Collection method: clinical testing. Allele origin: germline. Affected: yes.
Comment: Not observed at significant frequency in large population cohorts (gnomAD); In silico analysis supports that this missense variant has a deleterious effect on protein structure/function; Identified in an individual with paraganglioma (Klein et al., 2008); This variant is associated with the following publications: (PMID: 22270996, 18382370, 26273102)

St. Jude Molecular Pathology, St. Jude Children's Research Hospital
Classification: Uncertain significance for Pheochromocytoma/paraganglioma syndrome 4. Last evaluated: 2022-11-08. Review status: criteria provided, single submitter. Criteria: St. Jude Assertion Criteria 2020. Collection method: clinical testing. Allele origin: germline.
Comment: The SDHB c.716C>T (p.Ser239Phe) missense change has a maximum frequency of 0.013% in gnomAD v2.1.1. The in silico tool REVEL predicts a deleterious effect on protein function, but to our knowledge this prediction has not been confirmed by functional studies. This variant has been reported in an individual with metastatic paraganglioma (PMID: 18382370). In summary, the evidence currently available is insufficient to determine the clinical significance of this variant. It has therefore been classified as of uncertain significance.

Illumina Laboratory Services, Illumina
Classification: Uncertain significance for Hereditary Paraganglioma-Pheochromocytoma Syndromes. Last evaluated: 2017-04-27. Review status: criteria provided, single submitter. Criteria: ICSL Variant Classification Criteria 13 December 2019. Collection method: clinical testing. Allele origin: germline.
Comment: This variant was observed as part of a predisposition screen in an ostensibly healthy population. A literature search was performed for the gene, cDNA change, and amino acid change (where applicable). Publications were found based on this search. However, the evidence from the literature, in combination with allele frequency data from public databases where available, was not sufficient to rule this variant in or out of causing disease. Therefore, this variant is classified as a variant of unknown significance.

Illumina Laboratory Services, Illumina
Classification: Uncertain significance for Carney-Stratakis syndrome. Last evaluated: 2017-04-27. Review status: criteria provided, single submitter. Criteria: ICSL Variant Classification Criteria 13 December 2019. Collection method: clinical testing. Allele origin: germline.
Comment: the same text as in the submission from Illumina Laboratory Services, Illumina above.

Literature cited by the submitters: PubMed 18382370 (cited by 5 submitters); PubMed 41252211 (cited by Ambry Genetics); PubMed 22904323 (cited by Color Diagnostics, LLC DBA Color Health and All of Us Research Program, National Institutes of Health); PubMed 22270996 (cited by Illumina Laboratory Services, Illumina).